The following is an entry in ClinVar:

ClinVar aggregate classification (germline): Conflicting classifications of pathogenicity. Review status: criteria provided, conflicting classifications (1 of 4 stars). 3 submissions from 3 submitters: Uncertain significance (2); Likely benign (1). Last evaluated 2025-09-10.

Conditions:
Inborn genetic diseases. Identifiers: MedGen C0950123, MeSH D030342.
Donnai-Barrow syndrome. Also called: DBS/FOAR SYNDROME; FACIOOCULOACOUSTICORENAL SYNDROME. Identifiers: Orphanet 2143, MedGen C1857277, MONDO:0009104, OMIM 222448.

Allele frequency attached by ClinVar (database versions not stated): gnomAD 0.00001; gnomAD exomes 0.00001; TOPMed 0.00001.
gnomAD v4.1: 11 of 1,613,954 alleles (0.00068%); highest among the groups gnomAD compares: Admixed American, 0.0083%; no homozygotes.

Submissions (3):

Ambry Genetics
Classification: Likely benign for Inborn genetic diseases. Last evaluated: 2025-09-10. Review status: criteria provided, single submitter. Criteria: Ambry Variant Classification Scheme 2023. Collection method: clinical testing. Allele origin: germline.

Labcorp Genetics (formerly Invitae), Labcorp
Classification: Uncertain significance. Last evaluated: 2025-06-07. Review status: criteria provided, single submitter. Criteria: Invitae Variant Classification Sherloc (09022015). Collection method: clinical testing. Allele origin: germline.
Comment: This sequence change replaces asparagine, which is neutral and polar, with serine, which is neutral and polar, at codon 2416 of the LRP2 protein (p.Asn2416Ser). This variant is present in population databases (no rsID available, gnomAD 0.003%). This variant has not been reported in the literature in individuals affected with LRP2-related conditions. ClinVar contains an entry for this variant (Variation ID: 1058836). Invitae Evidence Modeling of protein sequence and biophysical properties (such as structural, functional, and spatial information, amino acid conservation, physicochemical variation, residue mobility, and thermodynamic stability) indicates that this missense variant is not expected to disrupt LRP2 protein function with a negative predictive value of 95%. In summary, the available evidence is currently insufficient to determine the role of this variant in disease. Therefore, it has been classified as a Variant of Uncertain Significance.

Fulgent Genetics
Classification: Uncertain significance for Donnai-Barrow syndrome. Last evaluated: 2021-08-30. Review status: criteria provided, single submitter. Criteria: ACMG Guidelines, 2015. Collection method: clinical testing. Allele origin: unknown.

NM_004525.3(LRP2):c.7247A>G (p.Asn2416Ser)

Gene: LRP2 (LDL receptor related protein 2; minus strand). Cytogenetic location: 2q31.1.
Variant type: single nucleotide variant.
Coding change: c.7247A>G on transcript NM_004525.3 (MANE Select); coding-DNA position 7247, A replaced by G.
Protein change: p.Asn2416Ser; replaces asparagine 2416 with serine.
Molecular consequence: missense variant.
Genome position (GRCh38, 1-based): chr2:169,206,473, T>C on the plus strand (A>G on the coding strand, the complement: LRP2 is on the minus strand). VCF-style: chr2-169206473-T-C. GRCh37 (hg19) VCF-style: chr2-170062983-T-C.
Other names: c.7247A>G (NM_004525.2); short protein forms N2416S.
Identifiers: ClinVar variation 1058836 (VCV001058836.7), dbSNP rs1326475927, ClinGen allele CA349171226.